The following is an entry in ClinVar:

NM_000127.3(EXT1):c.1054C>T (p.Gln352Ter)

Gene: EXT1 (exostosin glycosyltransferase 1; minus strand). Cytogenetic location: 8q24.11.
Variant type: single nucleotide variant.
Coding change: c.1054C>T on transcript NM_000127.3 (MANE Select); coding-DNA position 1054, C replaced by T.
Protein change: p.Gln352Ter; replaces glutamine 352 with a stop codon.
Molecular consequence: nonsense.
Genome position (GRCh38, 1-based): chr8:117,837,110, G>A on the plus strand (C>T on the coding strand, the complement: EXT1 is on the minus strand). VCF-style: chr8-117837110-G-A. GRCh37 (hg19) VCF-style: chr8-118849349-G-A.
Other names: short protein forms Q352*.
Identifiers: ClinVar variation 2629722 (VCV002629722.1), dbSNP rs2488135151, ClinGen allele CA371893214.

ClinVar aggregate classification (germline): Likely pathogenic (1 of 4 stars; one submission).

Conditions:
EXT1-related disorder. Also called: EXT1-related condition.

Submission:

PreventionGenetics, part of Exact Sciences
Classification: Likely pathogenic for EXT1-related condition. Last evaluated: 2022-12-22. Review status: criteria provided, single submitter. Criteria: ACMG Guidelines, 2015. Collection method: clinical testing. Allele origin: germline.
Comment: The EXT1 c.1054C>T variant is predicted to result in premature protein termination (p.Gln352*). This variant was reported in an individual with multiple osteochondromas (Table S1 - Jennes et al. 2009. PubMed ID: 19810120). This variant has not been reported in a large population database, indicating this variant is rare. Nonsense variants in EXT1 are expected to be pathogenic. This variant is interpreted as likely pathogenic.